The following is an entry in ClinVar:

NM_001366521.1(ATP2B1):c.2750del (p.Tyr917fs)

Gene: ATP2B1 (ATPase plasma membrane Ca2+ transporting 1; minus strand). Cytogenetic location: 12q21.33.
Variant type: Deletion.
Coding change: c.2750del on transcript NM_001366521.1 (MANE Select); coding-DNA position 2750, one base deleted (A; older notation c.2750delA).
Protein change: p.Tyr917fs; shifts the reading frame from tyrosine 917.
Molecular consequence: frameshift variant.
Genome position (GRCh38, 1-based): chr12:89,603,810, T deleted on the plus strand (A on the coding strand, the reverse complement: ATP2B1 is on the minus strand). VCF-style (leftmost placement, unchanged base first): chr12-89603809-AT-A. GRCh37 (hg19) VCF-style: chr12-89997586-AT-A.
Other names: c.2750del, p.Tyr917fs (NM_001001323.2, NM_001366520.1, NM_001366522.1 and 12 more transcripts); c.2552del, p.Tyr851fs (NM_001366530.1, NM_001413053.1); c.2189del, p.Tyr730fs (NM_001366531.1, NM_001366532.1, NM_001413058.1 and 2 more transcripts); c.2711del, p.Tyr904fs (NM_001413048.1); c.2609del, p.Tyr870fs (NM_001413051.1, NM_001413052.1, NM_001413055.1); c.2507del, p.Tyr836fs (NM_001413054.1); c.2495del, p.Tyr832fs (NM_001413056.1); c.2297del, p.Tyr766fs (NM_001413057.1); short protein forms Y730fs, Y766fs, Y832fs, Y836fs, Y851fs, Y870fs, Y904fs, Y917fs.
Identifiers: ClinVar variation 4796793 (VCV004796793.1).

ClinVar aggregate classification (germline): Likely pathogenic (1 of 4 stars; one submission).

Conditions:
Intellectual developmental disorder, autosomal dominant 66. Also called: MENTAL RETARDATION, AUTOSOMAL DOMINANT 66. Identifiers: MedGen C5677000, MONDO:0030891, OMIM 619910.

Submission:

MVZ Medizinische Genetik Mainz
Classification: Likely pathogenic for Intellectual developmental disorder, autosomal dominant 66. Last evaluated: 2026-02-10. Review status: criteria provided, single submitter. Criteria: UK Practice Guidelines For Variant Classification V4 01 2020. Collection method: clinical testing. Allele origin: germline. Inheritance: Autosomal dominant inheritance. Affected: yes. Observed: 1 variant allele.
Comment: ACMG Criteria: PVS1,PM2_SUP